The following is an entry in ClinVar:

ClinVar aggregate classification (germline): Uncertain significance. Review status: criteria provided, multiple submitters, no conflicts (2 of 4 stars). 4 submissions from 4 submitters: Uncertain significance (4). Last evaluated 2025-09-11.

Conditions:
Cardiovascular phenotype. Identifiers: MedGen CN230736.
Cardiomyopathy (CMYO). Also called: Cardiomyopathies. Identifiers: Orphanet 167848, MedGen C0878544, MONDO:0004994, HP:0001638. Inheritance: Various modes of inheritance.
Arrhythmogenic right ventricular dysplasia 5. Also called: Arrhythmogenic Right Ventricular Dysplasia/Cardiomyopathy 5; ARRHYTHMOGENIC RIGHT VENTRICULAR DYSPLASIA, FAMILIAL, 5. Identifiers: MedGen C1858379, MONDO:0011459, OMIM 604400.

Allele frequency attached by ClinVar (database versions not stated): gnomAD exomes below 0.00001; TOPMed below 0.00001; ExAC 0.00001.
gnomAD v4.1: 2 of 1,614,178 alleles (0.00012%); highest among the groups gnomAD compares: Admixed American, 0.0017%; no homozygotes.

Submissions (4):

Ambry Genetics
Classification: Uncertain significance for Cardiovascular phenotype. Last evaluated: 2025-09-11. Review status: criteria provided, single submitter. Criteria: Ambry Variant Classification Scheme 2023. Collection method: clinical testing. Allele origin: germline.

Color Diagnostics, LLC DBA Color Health
Classification: Uncertain significance for Cardiomyopathy. Last evaluated: 2024-03-06. Review status: criteria provided, single submitter. Criteria: ACMG Guidelines, 2015. Collection method: clinical testing. Allele origin: germline.
Comment: This missense variant replaces alanine with threonine at codon 182 of the TMEM43 protein. Computational prediction suggests that this variant may not impact protein structure and function (internally defined REVEL score threshold <= 0.5, PMID: 27666373). To our knowledge, functional studies have not been reported for this variant. This variant has not been reported in individuals affected with TMEM43-related disorders in the literature. This variant has been identified in 1/251472 chromosomes in the general population by the Genome Aggregation Database (gnomAD). The available evidence is insufficient to determine the role of this variant in disease conclusively. Therefore, this variant is classified as a Variant of Uncertain Significance.

All of Us Research Program, National Institutes of Health
Classification: Uncertain significance for Arrhythmogenic right ventricular dysplasia 5. Last evaluated: 2023-12-18. Review status: criteria provided, single submitter. Criteria: ACMG Guidelines, 2015. Collection method: clinical testing. Allele origin: germline. Inheritance: Autosomal dominant inheritance. Observed: 2 variant alleles, 2 heterozygotes.
Comment: This missense variant replaces alanine with threonine at codon 182 of the TMEM43 protein. Computational prediction suggests that this variant may not impact protein structure and function (internally defined REVEL score threshold <= 0.5, PMID: 27666373). Splice site prediction tools suggest that this variant may not impact RNA splicing. To our knowledge, functional studies have not been performed for this variant. This variant has not been reported in individuals affected with cardiovascular disorders in the literature. This variant has been identified in 1/251472 chromosomes in the general population by the Genome Aggregation Database (gnomAD). The available evidence is insufficient to determine the role of this variant in disease conclusively. Therefore, this variant is classified as a Variant of Uncertain Significance.

This study involves interpretation of variants in research participants for the purpose of population health screening. Participant phenotype was not available at the time of variant classification. Additional details can be found in publication PMID: 35346344, PMCID: PMC8962531

Labcorp Genetics (formerly Invitae), Labcorp
Classification: Uncertain significance for Arrhythmogenic right ventricular dysplasia 5. Last evaluated: 2022-08-23. Review status: criteria provided, single submitter. Criteria: Invitae Variant Classification Sherloc (09022015). Collection method: clinical testing. Allele origin: germline.
Comment: In summary, the available evidence is currently insufficient to determine the role of this variant in disease. Therefore, it has been classified as a Variant of Uncertain Significance. This sequence change replaces alanine, which is neutral and non-polar, with threonine, which is neutral and polar, at codon 182 of the TMEM43 protein (p.Ala182Thr). This variant is present in population databases (rs757013233, gnomAD 0.003%). This variant has not been reported in the literature in individuals affected with TMEM43-related conditions. ClinVar contains an entry for this variant (Variation ID: 921387). Algorithms developed to predict the effect of missense changes on protein structure and function are either unavailable or do not agree on the potential impact of this missense change (SIFT: "Deleterious"; PolyPhen-2: "Possibly Damaging"; Align-GVGD: "Class C0").

NM_024334.3(TMEM43):c.544G>A (p.Ala182Thr)

Gene: TMEM43 (transmembrane protein 43; plus strand). Cytogenetic location: 3p25.1.
Variant type: single nucleotide variant.
Coding change: c.544G>A on transcript NM_024334.3 (MANE Select); coding-DNA position 544, G replaced by A.
Protein change: p.Ala182Thr; replaces alanine 182 with threonine.
Molecular consequence: missense variant.
Genome position (GRCh38, 1-based): chr3:14,133,770, G>A. VCF-style: chr3-14133770-G-A. GRCh37 (hg19) VCF-style: chr3-14175270-G-A.
Other names: short protein forms A182T.
Identifiers: ClinVar variation 921387 (VCV000921387.15), dbSNP rs757013233, ClinGen allele CA054282.
Genomic context (GRCh38, chr3:14,133,770, plus strand): 5'-CATCTCTGACAGCTTCCTCTCTCCCACAGTGCCATGGCAGTGGAGTCATTCATGGCAACA[G>A]CCCCCTTTGTCCAAATTGGCAGGTTTTTCCTCTCGTCAGGTAAGTCTCAGGCCTCTCCAG-3'
Protein context (NP_077310.1, residues 172-192): AMAVESFMAT[Ala182Thr]PFVQIGRFFL